The following is an entry in ClinVar:

ClinVar aggregate classification (germline): Pathogenic (3 of 4 stars; one submission).

Conditions:
Lynch syndrome. Identifiers: Orphanet 144, MedGen C4552100, MONDO:0005835. Disease mechanism: loss of function.

Submission:

International Society for Gastrointestinal Hereditary Tumours (InSiGHT)
Classification: Pathogenic for Lynch Syndrome. Last evaluated: 2013-09-05. Review status: reviewed by expert panel. Criteria: Guidelines v1.9. Collection method: research. Allele origin: germline.
Comment: Large deletion

Classified with v1.9 guidelines

NM_000535.7(PMS2):c.2276-91_2445+790del

Gene: PMS2 (PMS1 homolog 2, mismatch repair system component; minus strand). Cytogenetic location: 7p22.1.
Variant type: Deletion.
Coding change: c.2276-91_2445+790del on transcript NM_000535.7 (MANE Select); 91 bases into the intron before coding-DNA position 2276 through 790 bases into the intron after coding-DNA position 2445, 1,051 bases deleted.
Molecular consequence: splice acceptor variant, splice donor variant.
Genome position (GRCh38, 1-based): chr7:5,976,798-5,977,848, 1,051 bases deleted. GRCh37 (hg19): chr7:6,016,437-6,017,487.
Other names: c.1958-91_2127+790del (NM_001322008.2, NM_001322007.2); c.1715-91_1884+790del (NM_001322010.2); c.1871-91_2040+790del (NM_001322004.2, NM_001322003.2, NM_001322005.2); c.1703-91_1872+790del (NM_001322013.2); c.1343-91_1512+790del (NM_001322012.2, NM_001322011.2); c.1967-91_2136+790del (NM_001322015.2); c.2120-91_2289+790del (NM_001322006.2); c.2276-58_2478+790del (NM_001322014.2); and 1 more.
Identifiers: ClinVar variation 91336 (VCV000091336.2), ClinGen allele CA331754.